The following is an entry in ClinVar:

NM_153676.4(USH1C):c.310G>C (p.Gly104Arg)

Gene: USH1C (USH1 protein network component harmonin; minus strand). Cytogenetic location: 11p15.1.
Variant type: single nucleotide variant.
Coding change: c.310G>C on transcript NM_153676.4 (MANE Select); coding-DNA position 310, G replaced by C.
Protein change: p.Gly104Arg; replaces glycine 104 with arginine.
Molecular consequence: missense variant. On other transcripts: non-coding transcript variant (1).
Genome position (GRCh38, 1-based): chr11:17,531,231, C>G on the plus strand (G>C on the coding strand, the complement: USH1C is on the minus strand). VCF-style: chr11-17531231-C-G. GRCh37 (hg19) VCF-style: chr11-17552778-C-G.
Other names: c.310G>C (NM_153676.3); c.310G>C, p.Gly104Arg (NM_001297764.2, NM_005709.4); short protein forms G104R.
Identifiers: ClinVar variation 1301502 (VCV001301502.8), dbSNP rs1387867750, ClinGen allele CA379797124.

ClinVar aggregate classification (germline): Conflicting classifications of pathogenicity. Review status: criteria provided, conflicting classifications (1 of 4 stars). 4 submissions from 4 submitters: Likely pathogenic (3); Uncertain significance (1). Last evaluated 2026-04-06.

Conditions:
USH1C-related disorder. Also called: USH1C-related condition.

Allele frequency attached by ClinVar (database versions not stated): gnomAD 0.00001 and 0.00002; TOPMed 0.00002.
gnomAD v4.1: 3 of 1,614,060 alleles (0.00019%); highest among the groups gnomAD compares: African/African-American, 0.004%; no homozygotes.

Submissions (4):

PreventionGenetics, part of Exact Sciences
Classification: Uncertain significance for USH1C-related condition. Last evaluated: 2026-04-06. Review status: criteria provided, single submitter. Criteria: ACMG Guidelines, 2015. Collection method: clinical testing. Allele origin: germline.
Comment: The USH1C c.310G>C variant is predicted to result in the amino acid substitution p.Gly104Arg. To our knowledge, this variant has not been reported in the literature. This variant is reported in 0.011% of alleles in individuals of African descent in gnomAD. However, an alternate missense variant of the same amino acid (p.Gly104Asp) has been reported in multiple individuals with Usher syndrome and has been shown to cosegregate with disease in at least one family (Besnard et al. 2014. PubMed ID: 24498627; Huang et al. 2014. PubMed ID: 25356976; Xiang et al. 2020. PubMed ID: 33095980). Although we suspect that the p.Gly104Arg variant may be pathogenic, the clinical significance of this variant is uncertain at this time due to the absence of conclusive functional and genetic evidence.

GeneDx
Classification: Likely pathogenic. Last evaluated: 2025-05-05. Review status: criteria provided, single submitter. Criteria: GeneDx Variant Classification Process June 2021. Collection method: clinical testing. Allele origin: germline. Affected: yes.
Comment: Not observed at significant frequency in large population cohorts (gnomAD); In silico analysis supports that this missense variant has a deleterious effect on protein structure/function; Has not been previously published as pathogenic or benign to our knowledge

Blueprint Genetics
Classification: Likely pathogenic for USH1C-related disorders. Last evaluated: 2022-08-31. Review status: criteria provided, single submitter. Criteria: ACMG Guidelines, 2015. Collection method: clinical testing. Allele origin: germline. Affected: yes. Observed: 2 variant alleles.

Greenwood Genetic Center Diagnostic Laboratories, Greenwood Genetic Center
Classification: Likely pathogenic. Last evaluated: 2021-02-11. Review status: criteria provided, single submitter. Criteria: ACMG Guidelines, 2015. Collection method: clinical testing. Allele origin: germline. Affected: yes.
Comment: PP2, PM5_Supporting, PM1, PM2